The following is an entry in ClinVar:

ClinVar aggregate classification (germline): Pathogenic (1 of 4 stars; one submission).

Conditions:
Mowat-Wilson syndrome (MOWS). Also called: Classic Mowat-Wilson Syndrome. Identifiers: Orphanet 2152, MedGen C1856113, MONDO:0009341, OMIM 235730.

Submission:

Institute of Human Genetics, University of Leipzig Medical Center
Classification: Pathogenic for Mowat-Wilson syndrome. Last evaluated: 2019-10-17. Review status: criteria provided, single submitter. Criteria: ACMG Guidelines, 2015. Collection method: clinical testing. Allele origin: de novo. Affected: yes. Observed: 1 variant allele.
Comment: This variant was identified as de novo (maternity and paternity confirmed).

NM_014795.4(ZEB2):c.71del (p.Asn24fs)

Gene: ZEB2 (zinc finger E-box binding homeobox 2; minus strand). Cytogenetic location: 2q22.3.
Variant type: Deletion.
Coding change: c.71del on transcript NM_014795.4 (MANE Select); coding-DNA position 71, one base deleted (A; older notation c.71delA).
Protein change: p.Asn24fs; shifts the reading frame from asparagine 24.
Molecular consequence: frameshift variant. On other transcripts: non-coding transcript variant (1).
Genome position (GRCh38, 1-based): chr2:144,517,280, T deleted on the plus strand (A on the coding strand, the reverse complement: ZEB2 is on the minus strand); the first of 5 consecutive T bases (chr2:144,517,280-144,517,284); deleting any one gives the same sequence. VCF-style (leftmost placement, unchanged base first): chr2-144517279-GT-G. GRCh37 (hg19) VCF-style: chr2-145274846-GT-G.
Other names: c.71del, p.Asn24fs (NM_001171653.2); short protein forms N24fs.
Identifiers: ClinVar variation 976275 (VCV000976275.1), dbSNP rs1553971826, ClinGen allele CA1139657226.
Genomic context (GRCh38, chr2:144,517,279, plus strand): 5'-CTCCCTGGGTCTCGAGCCGCGTAGTGGCCCGGAAAAGTTTGGTTCGGGCTGCTTCTTACC[GT>G]TTTTCCTCCTGGGATTGGCTTGTTTGCGCCTCTTGCACCGGGGGCCATCCGCCATGATCG-3'